The following is an entry in ClinVar:

ClinVar aggregate classification (germline): Uncertain significance (1 of 4 stars; one submission).

Conditions:
Hereditary cancer-predisposing syndrome. Also called: Tumor predisposition; Hereditary Cancer Syndrome; Hereditary neoplastic syndrome; Neoplastic Syndromes, Hereditary. Identifiers: Orphanet 140162, MedGen C0027672, MeSH D009386, MONDO:0015356.
Cardiovascular phenotype. Identifiers: MedGen CN230736.

Submission:

Ambry Genetics
Classification: Uncertain significance for Cardiovascular phenotype; Hereditary cancer-predisposing syndrome. Last evaluated: 2024-11-21. Review status: criteria provided, single submitter. Criteria: Ambry Variant Classification Scheme 2023. Collection method: clinical testing. Allele origin: germline.
Comment: The p.I177L variant (also known as c.529A>C), located in coding exon 5 of the NF1 gene, results from an A to C substitution at nucleotide position 529. The isoleucine at codon 177 is replaced by leucine, an amino acid with highly similar properties. This amino acid position is conserved. In addition, this alteration is predicted to be tolerated by in silico analysis. Based on the available evidence, the clinical significance of this variant remains unclear.

NM_001042492.3(NF1):c.529A>C (p.Ile177Leu)

Gene: NF1 (neurofibromin 1; plus strand). Cytogenetic location: 17q11.2.
Variant type: single nucleotide variant.
Coding change: c.529A>C on transcript NM_001042492.3 (MANE Select); coding-DNA position 529, A replaced by C.
Protein change: p.Ile177Leu; replaces isoleucine 177 with leucine.
Molecular consequence: missense variant.
Genome position (GRCh38, 1-based): chr17:31,169,940, A>C. VCF-style: chr17-31169940-A-C. GRCh37 (hg19) VCF-style: chr17-29496958-A-C.
Other names: c.529A>C, p.Ile177Leu (NM_000267.4, NM_001128147.3); short protein forms I177L.
Identifiers: ClinVar variation 2591750 (VCV002591750.3), dbSNP rs766213678, ClinGen allele CA398985095.
Genomic context (GRCh38, chr17:31,169,940, plus strand): 5'-TTACTTTTTAGGTTACAGGAATTAACTGTTTGTTCAGAAGACAATGTTGATGTTCATGAT[A>C]TAGAATTGTTACAGTATATCAATGTGGATTGTGCAAAATTAAAACGACTCCTGAAGGGTA-3'
Protein context (NP_001035957.1, residues 167-187): CSEDNVDVHD[Ile177Leu]ELLQYINVDC